The following is an entry in ClinVar:

NM_000088.4(COL1A1):c.4343G>A (p.Gly1448Asp)

Gene: COL1A1 (collagen type I alpha 1 chain; minus strand). Cytogenetic location: 17q21.33.
Variant type: single nucleotide variant.
Coding change: c.4343G>A on transcript NM_000088.4 (MANE Select); coding-DNA position 4343, G replaced by A.
Protein change: p.Gly1448Asp; replaces glycine 1448 with aspartic acid.
Molecular consequence: missense variant.
Genome position (GRCh38, 1-based): chr17:50,185,554, C>T on the plus strand (G>A on the coding strand, the complement: COL1A1 is on the minus strand). VCF-style: chr17-50185554-C-T. GRCh37 (hg19) VCF-style: chr17-48262915-C-T.
Other names: short protein forms G1448D.
Identifiers: ClinVar variation 1492151 (VCV001492151.6), dbSNP rs2144529623, ClinGen allele CA400190207.

ClinVar aggregate classification (germline): Pathogenic (1 of 4 stars; one submission).

Conditions:
Osteogenesis imperfecta type I (OI1). Also called: Lobstein disease; Lobstein's Disease; OI, TYPE I; OSTEOGENESIS IMPERFECTA TARDA; OSTEOGENESIS IMPERFECTA WITH BLUE SCLERAE; Osteogenesis imperfecta type 1. Identifiers: Orphanet 216796, Orphanet 666, MedGen C0023931, MONDO:0008146, OMIM 166200. Disease mechanism: loss of function.

Submission:

Labcorp Genetics (formerly Invitae), Labcorp
Classification: Pathogenic for Osteogenesis imperfecta type I. Last evaluated: 2025-08-21. Review status: criteria provided, single submitter. Criteria: Invitae Variant Classification Sherloc (09022015). Collection method: clinical testing. Allele origin: germline.
Comment: This sequence change replaces glycine, which is neutral and non-polar, with aspartic acid, which is acidic and polar, at codon 1448 of the COL1A1 protein (p.Gly1448Asp). This variant is not present in population databases (gnomAD no frequency). This missense change has been observed in individual(s) with clinical features of osteogenesis imperfecta (PMID: 25146735, 34277895; internal data). ClinVar contains an entry for this variant (Variation ID: 1492151). Invitae Evidence Modeling of protein sequence and biophysical properties (such as structural, functional, and spatial information, amino acid conservation, physicochemical variation, residue mobility, and thermodynamic stability) indicates that this missense variant is expected to disrupt COL1A1 protein function with a positive predictive value of 95%. This variant disrupts the p.Gly1448 amino acid residue in COL1A1. Other variant(s) that disrupt this residue have been observed in individuals with COL1A1-related conditions (PMID: 25146735), which suggests that this may be a clinically significant amino acid residue. For these reasons, this variant has been classified as Pathogenic.

Literature cited by the submitters: PubMed 25146735; PubMed 34277895.